The following continues an entry in ClinVar:

NM_000350.3(ABCA4):c.2894A>G (p.Asn965Ser)

Gene: ABCA4. ClinVar aggregate classification (germline): Pathogenic. Pathogenic (1).

Submissions 8 to 20 of 20:

Dept Of Ophthalmology, Nagoya University
Classification: Pathogenic for Retinal dystrophy. Last evaluated: 2023-10-01. Review status: criteria provided, single submitter. Criteria: Submitter's publication. Collection method: research. Allele origin: germline. Affected: yes. Not counted in ClinVar's aggregate classification.

CeGaT Center for Human Genetics Tuebingen
Classification: Pathogenic. Last evaluated: 2023-06-01. Review status: criteria provided, single submitter. Criteria: CeGaT Center For Human Genetics Tuebingen Variant Classification Criteria Version 2. Collection method: clinical testing. Allele origin: germline. Affected: yes. Observed: 2 variant alleles. Not counted in ClinVar's aggregate classification.
Comment: ABCA4: PM3:Very Strong, PM1, PM2, PM5:Supporting, PS3:Supporting

Molecular Genetics, Royal Melbourne Hospital
Classification: Pathogenic for Severe early-childhood-onset retinal dystrophy. Last evaluated: 2023-03-30. Review status: criteria provided, single submitter. Criteria: ACMG Guidelines, 2015. Collection method: clinical testing. Allele origin: germline. Affected: yes. Not counted in ClinVar's aggregate classification.
Comment: This sequence change is predicted to replace asparagine with serine at codon 965 of the ABCA4 protein, p.(Asn965Ser). The asparagine residue is moderately conserved (100 vertebrates, UCSC), and is located within the Walker A motif in the ATP binding cassette transporter 1 domain, critical for nucleotide phosphate binding (PMID: 29145636). There is a small physicochemical difference between asparagine and serine. The variant is present in a large population cohort at a frequency of 0.01%, which is consistent with recessive disease (rs201471607, 35/282,722 alleles, 0 homozygotes in gnomAD v2.1). It has been identified in the homozygous state and compound heterozygous with a second pathogenic allele in multiple cases with retinal disorders including Stargadt disease, fundus flavimaculatus, retinitis pigmentosa, cone-rod dystrophy, and Bull's eye maculopathy (PMID: 17982420 , 20647261). Further, a p.Asn965Ser knock-in mouse model recapitulates the phenotype of Stargardt disease patients and Abca4 knockout mice (PMID: 29145636). Multiple lines of computational evidence predict a deleterious effect for the missense substitution (6/7 algorithms). Based on the classification scheme RMH ACMG Guidelines v1.2.1, this variant is classified as PATHOGENIC. Following criteria are met: PM3_VeryStrong, PS3, PM1, PM2, PP3.

GeneDx
Classification: Pathogenic. Last evaluated: 2022-06-16. Review status: criteria provided, single submitter. Criteria: GeneDx Variant Classification Process June 2021. Collection method: clinical testing. Allele origin: germline. Affected: yes. Not counted in ClinVar's aggregate classification.
Comment: Published functional studies demonstrate a damaging effect with partial misfolding of the protein with mislocalization and low ATPase activity (Molday et al., 2018); In silico analysis supports that this missense variant has a deleterious effect on protein structure/function; This variant is associated with the following publications: (PMID: 9054934, 27739528, 28446513, 27939946, 28118664, 22968130, 25356976, 24453473, 24713488, 26780318, 28327576, 28704108, 29126757, 24097981, 21226556, 30204727, 29925512, 30718709, 30093795, 31456290, 32845050, 32845068, 32531858, 33732702, 32619608, 33090715, 33691693, 33301772, 33261146, 32244552, 17982420, 28559085, 29145636)

Institute of Human Genetics, Univ. Regensburg, Univ. Regensburg
Classification: Pathogenic for Retinal dystrophy. Last evaluated: 2020-01-01. Review status: criteria provided, single submitter. Criteria: ACMG Guidelines, 2015. Collection method: clinical testing. Allele origin: germline. Affected: yes. Not counted in ClinVar's aggregate classification.

Institute of Human Genetics, Univ. Regensburg, Univ. Regensburg
Classification: Pathogenic for Severe early-childhood-onset retinal dystrophy. Last evaluated: 2016-01-01. Review status: criteria provided, single submitter. Criteria: Schulz et al. (Invest Ophthalmol Vis Sci. 2017). Collection method: clinical testing. Allele origin: germline. Affected: yes. Observed: 1 heterozygote. Not counted in ClinVar's aggregate classification.

Juno Genomics, Hangzhou Juno Genomics, Inc
Classification: Pathogenic for Severe early-childhood-onset retinal dystrophy; Age related macular degeneration 2; Cone-rod dystrophy 3; Retinitis pigmentosa 19. Review status: criteria provided, single submitter. Criteria: ACMG Guidelines, 2015. Collection method: clinical testing. Allele origin: germline. Not counted in ClinVar's aggregate classification.
Comment: Absent from controls (or at extremely low frequency if recessive) in Genome Aggregation Database.;For recessive disorders, detected in trans with a pathogenic variant.;Multiple lines of computational evidence support a deleterious effect on the gene or gene product.

Sharon lab, Hadassah-Hebrew University Medical Center
Classification: Pathogenic for Stargardt disease. Last evaluated: 2019-06-23. Review status: no assertion criteria provided. Collection method: research. Allele origin: inherited. Affected: yes. Not counted in ClinVar's aggregate classification.

Department of Clinical Genetics, Copenhagen University Hospital, Rigshospitalet
Classification: Pathogenic for Stargardt disease. Last evaluated: 2018-04-01. Review status: no assertion criteria provided. Collection method: research. Allele origin: unknown. Affected: yes. Study: VeluxRD. Not counted in ClinVar's aggregate classification.

Department of Clinical Genetics, Copenhagen University Hospital, Rigshospitalet
Classification: Pathogenic for Cone-rod dystrophy. Last evaluated: 2018-04-01. Review status: no assertion criteria provided. Collection method: research. Allele origin: unknown. Affected: yes. Study: VeluxRD. Not counted in ClinVar's aggregate classification.

Department of Clinical Genetics, Copenhagen University Hospital, Rigshospitalet
Classification: Pathogenic for Macular dystrophy. Last evaluated: 2018-04-01. Review status: no assertion criteria provided. Collection method: research. Allele origin: unknown. Affected: yes. Study: VeluxRD. Not counted in ClinVar's aggregate classification.

Department of Clinical Genetics, Copenhagen University Hospital, Rigshospitalet
Classification: Pathogenic for Retinitis pigmentosa. Last evaluated: 2018-04-01. Review status: no assertion criteria provided. Collection method: research. Allele origin: unknown. Affected: yes. Study: VeluxRD. Not counted in ClinVar's aggregate classification.

Ophthalmo-Genetics Lab, Instituto de Oftalmologia Conde de Valenciana
Classification: Pathogenic for Stargardt disease 3. Review status: no assertion criteria provided. Collection method: research. Allele origin: germline. Inheritance: Autosomal recessive inheritance. Affected: yes. Not counted in ClinVar's aggregate classification.

Literature cited by the submitters: PubMed 29145636 (cited by 6 submitters); PubMed 17982420 (cited by 5 submitters); PubMed 25356976 (cited by Labcorp Genetics (formerly Invitae), Labcorp and Institute of Human Genetics, Univ. Regensburg, Univ. Regensburg); PubMed 27739528 (cited by Labcorp Genetics (formerly Invitae), Labcorp and Institute of Human Genetics, Univ. Regensburg, Univ. Regensburg); PubMed 28559085 (cited by Labcorp Genetics (formerly Invitae), Labcorp and Institute of Human Genetics, Univ. Regensburg, Univ. Regensburg); PubMed 22735453 (cited by Labcorp Genetics (formerly Invitae), Labcorp); PubMed 24097981 (cited by Labcorp Genetics (formerly Invitae), Labcorp and Institute of Human Genetics, Univ. Regensburg, Univ. Regensburg); PubMed 9054934 (cited by 3billion and Institute of Human Genetics, Univ. Regensburg, Univ. Regensburg); PubMed 21911583 (cited by 3billion); PubMed 20647261 (cited by Molecular Genetics, Royal Melbourne Hospital); PubMed 22968130 (cited by Institute of Human Genetics, Univ. Regensburg, Univ. Regensburg); PubMed 24713488 (cited by Institute of Human Genetics, Univ. Regensburg, Univ. Regensburg); PubMed 24453473 (cited by Institute of Human Genetics, Univ. Regensburg, Univ. Regensburg); PubMed 26780318 (cited by Institute of Human Genetics, Univ. Regensburg, Univ. Regensburg); PubMed 30204727 (cited by Institute of Human Genetics, Univ. Regensburg, Univ. Regensburg); PubMed 30093795 (cited by Institute of Human Genetics, Univ. Regensburg, Univ. Regensburg); PubMed 29925512 (cited by Institute of Human Genetics, Univ. Regensburg, Univ. Regensburg); PubMed 30718709 (cited by Institute of Human Genetics, Univ. Regensburg, Univ. Regensburg and Department of Clinical Genetics, Copenhagen University Hospital, Rigshospitalet); PubMed 32845050 (cited by Institute of Human Genetics, Univ. Regensburg, Univ. Regensburg); PubMed 32619608 (cited by Institute of Human Genetics, Univ. Regensburg, Univ. Regensburg); PubMed 31964843 (cited by Institute of Human Genetics, Univ. Regensburg, Univ. Regensburg); PubMed 32307445 (cited by Institute of Human Genetics, Univ. Regensburg, Univ. Regensburg); PubMed 33090715 (cited by Institute of Human Genetics, Univ. Regensburg, Univ. Regensburg); PubMed 32845068 (cited by Institute of Human Genetics, Univ. Regensburg, Univ. Regensburg); PubMed 31456290 (cited by Institute of Human Genetics, Univ. Regensburg, Univ. Regensburg); PubMed 33261146 (cited by Institute of Human Genetics, Univ. Regensburg, Univ. Regensburg); PubMed 32244552 (cited by Institute of Human Genetics, Univ. Regensburg, Univ. Regensburg); PubMed 32531858 (cited by Institute of Human Genetics, Univ. Regensburg, Univ. Regensburg); PubMed 34315337 (cited by Institute of Human Genetics, Univ. Regensburg, Univ. Regensburg); PubMed 33691693 (cited by Institute of Human Genetics, Univ. Regensburg, Univ. Regensburg); PubMed 33301772 (cited by Institute of Human Genetics, Univ. Regensburg, Univ. Regensburg); PubMed 33732702 (cited by Institute of Human Genetics, Univ. Regensburg, Univ. Regensburg); PubMed 36338671 (cited by Institute of Human Genetics, Univ. Regensburg, Univ. Regensburg); PubMed 35119454 (cited by Institute of Human Genetics, Univ. Regensburg, Univ. Regensburg); PubMed 36284670 (cited by Institute of Human Genetics, Univ. Regensburg, Univ. Regensburg); PubMed 36460718 (cited by Institute of Human Genetics, Univ. Regensburg, Univ. Regensburg); PubMed 36284460 (cited by Institute of Human Genetics, Univ. Regensburg, Univ. Regensburg); PubMed 36819107 (cited by Institute of Human Genetics, Univ. Regensburg, Univ. Regensburg).